The following is an entry in ClinVar:

ClinVar aggregate classification (germline): Uncertain significance (1 of 4 stars; one submission).

Allele frequency attached by ClinVar (database versions not stated): gnomAD exomes below 0.00001 and 0.00001; TOPMed 0.00001.
gnomAD v4.1: 3 of 1,212,234 alleles (0.00025%); highest among the groups gnomAD compares: Admixed American, 0.0043%; no homozygotes.

Submission:

Labcorp Genetics (formerly Invitae), Labcorp
Classification: Uncertain significance. Last evaluated: 2021-05-31. Review status: criteria provided, single submitter. Criteria: Invitae Variant Classification Sherloc (09022015). Collection method: clinical testing. Allele origin: germline.
Comment: This variant is not present in population databases (ExAC no frequency). This sequence change replaces phenylalanine with leucine at codon 496 of the DRP2 protein (p.Phe496Leu). The phenylalanine residue is highly conserved and there is a small physicochemical difference between phenylalanine and leucine. This variant has not been reported in the literature in individuals with DRP2-related conditions. Algorithms developed to predict the effect of missense changes on protein structure and function are either unavailable or do not agree on the potential impact of this missense change (SIFT: "Deleterious"; PolyPhen-2: "Probably Damaging"; Align-GVGD: "Class C15"). In summary, the available evidence is currently insufficient to determine the role of this variant in disease. Therefore, it has been classified as a Variant of Uncertain Significance.

NM_001939.3(DRP2):c.1486T>C (p.Phe496Leu)

Gene: DRP2 (dystrophin related protein 2; plus strand). Cytogenetic location: Xq22.1.
Variant type: single nucleotide variant.
Coding change: c.1486T>C on transcript NM_001939.3 (MANE Select); coding-DNA position 1486, T replaced by C.
Protein change: p.Phe496Leu; replaces phenylalanine 496 with leucine.
Molecular consequence: missense variant.
Genome position (GRCh38, 1-based): chrX:101,248,545, T>C. VCF-style: chrX-101248545-T-C. GRCh37 (hg19) VCF-style: chrX-100503534-T-C.
Other names: c.1252T>C, p.Phe418Leu (NM_001171184.2); short protein forms F418L, F496L.
Identifiers: ClinVar variation 1448549 (VCV001448549.8), dbSNP rs1459415975, ClinGen allele CA413927175.